The following is an entry in ClinVar:

NM_000257.4(MYH7):c.2221G>C (p.Gly741Arg)

Gene: MYH7 (myosin heavy chain 7; minus strand). Cytogenetic location: 14q11.2.
Variant type: single nucleotide variant.
Coding change: c.2221G>C on transcript NM_000257.4 (MANE Select); coding-DNA position 2221, G replaced by C.
Protein change: p.Gly741Arg; replaces glycine 741 with arginine.
Molecular consequence: missense variant.
Genome position (GRCh38, 1-based): chr14:23,425,760, C>G on the plus strand (G>C on the coding strand, the complement: MYH7 is on the minus strand). VCF-style: chr14-23425760-C-G. GRCh37 (hg19) VCF-style: chr14-23894969-C-G.
Other names: p.G741R:GGG>CGG; NM_000257.3(MYH7):c.2221G>C; short protein forms G741R.
Identifiers: ClinVar variation 14098 (VCV000014098.34), dbSNP rs121913632, ClinGen allele CA012013.

ClinVar aggregate classification (germline): Pathogenic. Review status: reviewed by expert panel (3 of 4 stars). 16 submissions from 16 submitters: Pathogenic (1). 15 of the submissions do not count toward it. Last evaluated 2016-12-15.

Conditions:
MYH7-related disorder. Also called: MYH7-related condition; MYH7-related disease; MYH7-related disorders.
Hypertrophic cardiomyopathy 1 (CMH1). Also called: MYH7-Related Familial Hypertrophic Cardiomyopathy; Familial hypertrophic cardiomyopathy 1. Identifiers: MedGen C3495498, MONDO:0008647, OMIM 192600.
Cardiovascular phenotype. Identifiers: MedGen CN230736.
Cardiomyopathy (CMYO). Also called: Cardiomyopathies. Identifiers: Orphanet 167848, MedGen C0878544, MONDO:0004994, HP:0001638. Inheritance: Various modes of inheritance.
MYH7-related skeletal myopathy. Also called: Laing distal myopathy; Laing early-onset distal myopathy; Myopathy, distal, 1; MYOPATHY, DISTAL, EARLY-ONSET, AUTOSOMAL DOMINANT; MYOPATHY, LATE DISTAL HEREDITARY. Identifiers: Orphanet 59135, MedGen C4552004, MONDO:0008050, OMIM 160500.
Dilated cardiomyopathy 1S (CMD1S). Identifiers: Orphanet 154, Orphanet 54260, MedGen C1834481, MONDO:0013262, OMIM 613426.
Myosin storage myopathy (CMYO7A). Also called: SCAPULOPERONEAL MUSCULAR DYSTROPHY; SCAPULOPERONEAL SYNDROME, MYOPATHIC TYPE; MYOPATHY WITH LYSIS OF TYPE I MYOFIBRILS; MYH7-related late-onset scapuloperoneal muscular dystrophy; Congenital myopathy 7A, myosin storage, autosomal dominant; MYOPATHY, HYALINE BODY, AUTOSOMAL DOMINANT. Identifiers: Orphanet 437572, Orphanet 636965, MedGen C1842160, MONDO:0008409, OMIM 608358.
Congenital myopathy with fiber type disproportion. Also called: Congenital fiber-type disproportion; Congenital fiber-type disproportion myopathy. Identifiers: Orphanet 2020, MedGen C0546264, MONDO:0009711. Inheritance: all.
Myopathy, myosin storage, autosomal recessive (CMYO7B). Also called: CONGENITAL MYOPATHY 7B, MYOSIN STORAGE, AUTOSOMAL RECESSIVE. Identifiers: Orphanet 636970, MedGen C1850709, MONDO:0009708, OMIM 255160.
Hypertrophic cardiomyopathy. Also called: HYPERTROPHIC MYOCARDIOPATHY. Identifiers: Orphanet 217569, MedGen C0007194, MeSH D002312, MONDO:0005045, HP:0001639.

gnomAD v4.1: 2 of 1,614,004 alleles (0.00012%); highest among the groups gnomAD compares: Non-Finnish European, 0.000085%; no homozygotes.

Submissions 1 to 7 of 16:

ClinGen Cardiomyopathy Variant Curation Expert Panel
Classification: Pathogenic for Hypertrophic cardiomyopathy. Last evaluated: 2016-12-15. Review status: reviewed by expert panel. Criteria: ClinGen CMP ACMG Specifications v1. Collection method: curation. Allele origin: germline. Inheritance: Autosomal dominant inheritance.
Comment: The c.2221G>C (p.Gly741Arg) variant in MYH7 has been reported in >12 individuals with hypertrophic cardiomyopathy (PS4; PMID:8483915; PMID:15563892; PMID:20031618; PMID:15358028; Partners LMM ClinVar SCV000059430.5; SHaRe consortium, PMID: 30297972). This variant has been identified as a de novo occurrence in 1 proband with hypertrophic cardiomyopathy (PM6; PMID:15563892). This variant segregated with disease in 3 affected individuals (PP1; PMID:8483915; Partners LMM ClinVar SCV000059430.5). This variant was absent from large population studies (PM2). This variant lies in the head region of the protein (aa 181-937) and missense variants in this region are statistically more likely to be disease-associated (PM1; PMID:27532257). Computational prediction tools and conservation analysis suggest that this variant may impact the protein (PP3). A different pathogenic missense variant has been previously identified at this codon which may indicate that this residue is critical to the function of the protein (PM5; c.2221G>T p.Gly741Trp - Variation ID 177665). In summary, this variant meets criteria to be classified as pathogenic for hypertrophic cardiomyopathy in an autosomal dominant manner. MYH7-specific ACMG/AMP criteria applied (PMID:29300372): PS4; PM1; PM2; PM5; PM6; PP1; PP3

Institute of Human Genetics, University of Leipzig Medical Center
Classification: Pathogenic for Hypertrophic cardiomyopathy 1. Last evaluated: 2026-07-10. Review status: criteria provided, single submitter. Criteria: ACMG Guidelines, 2015. Collection method: clinical testing. Allele origin: unknown. Inheritance: Autosomal dominant inheritance. Affected: yes. Not counted in ClinVar's aggregate classification.
Comment: Criteria applied: PS1,PS4,PM5,PM2_SUP,PP3

Institute of Medical Genetics and Applied Genomics, University Hospital Tübingen
Classification: Pathogenic for Hypertrophic cardiomyopathy 1. Last evaluated: 2026-05-29. Review status: criteria provided, single submitter. Criteria: ACMG Guidelines, 2015. Collection method: clinical testing. Allele origin: germline. Inheritance: Autosomal dominant inheritance. Affected: yes. Not counted in ClinVar's aggregate classification.

Labcorp Genetics (formerly Invitae), Labcorp
Classification: Pathogenic for Hypertrophic cardiomyopathy. Last evaluated: 2025-11-10. Review status: criteria provided, single submitter. Criteria: Invitae Variant Classification Sherloc (09022015). Collection method: clinical testing. Allele origin: germline. Not counted in ClinVar's aggregate classification.
Comment: This sequence change replaces glycine, which is neutral and non-polar, with arginine, which is basic and polar, at codon 741 of the MYH7 protein (p.Gly741Arg). This variant is not present in population databases (gnomAD no frequency). This missense change has been observed in individuals with hypertrophic cardiomyopathy (PMID: 8483915, 12707239, 15358028, 15563892, 20031618, 24093860, 24111713, 24704860). It has also been observed to segregate with disease in related individuals. ClinVar contains an entry for this variant (Variation ID: 14098). Invitae Evidence Modeling of protein sequence and biophysical properties (such as structural, functional, and spatial information, amino acid conservation, physicochemical variation, residue mobility, and thermodynamic stability) indicates that this missense variant is expected to disrupt MYH7 protein function with a positive predictive value of 95%. This variant disrupts the p.Gly741 amino acid residue in MYH7. Other variant(s) that disrupt this residue have been determined to be pathogenic (PMID: 8533830, 15856146). This suggests that this residue is clinically significant, and that variants that disrupt this residue are likely to be disease-causing. For these reasons, this variant has been classified as Pathogenic.

Variantyx, Inc.
Classification: Pathogenic for Hypertrophic cardiomyopathy 1. Last evaluated: 2025-03-17. Review status: criteria provided, single submitter. Criteria: Variantyx Assertion Criteria 2022. Collection method: clinical testing. Allele origin: paternal. Not counted in ClinVar's aggregate classification.
Comment: This is a nonsynonymous variant in the MYH7 gene (OMIM: 160760). Pathogenic variants in this gene have been associated with autosomal dominant hypertrophic cardiomyopathy 1. This variant likely occurred de novo in individual(s) from the published literature, however, the possibility of parental germline mosaicism cannot be excluded (PMID: 15563892) (PS2_Supporting). This variant has been reported in several unrelated affected individuals (PMID: 8483915, 15563892, 20031618, 15358028) (PS4). This variant has been observed to segregate with disease in at least 3 individuals from 2 families (PMID: 8483915) (PP1). This variant lies within a known hotspot for pathogenic variants or a well-established critical functional domain of the MYH7 protein (PMID: 27532257) (PM1). Multiple computational algorithms predict a deleterious effect for this variant (REVEL score: 0.857) (PP3). This variant has a 0.0001% maximum allele frequency in non-founder control populations (PM2_Supporting). Based on the current evidence, this variant is classified as pathogenic for autosomal dominant hypertrophic cardiomyopathy 1.Note the specific details of the variant previously reported in this gene were not provided, therefore it is recommended to review this result in the context of any prior molecular testing done for this individual.

Ambry Genetics
Classification: Pathogenic for Cardiovascular phenotype. Last evaluated: 2024-07-31. Review status: criteria provided, single submitter. Criteria: Ambry Variant Classification Scheme 2023. Collection method: clinical testing. Allele origin: germline. Not counted in ClinVar's aggregate classification.
Comment: The p.G741R pathogenic mutation (also known as c.2221G>C), located in coding exon 18 of the MYH7 gene, results from a G to C substitution at nucleotide position 2221. The glycine at codon 741 is replaced by arginine, an amino acid with dissimilar properties. This alteration is located in the myosin head domain, which contains a statistically significant clustering of pathogenic missense variants (Homburger JR et al. Proc Natl Acad Sci U S A, 2016 06;113:6701-6; Walsh R et al. Genet Med, 2017 02;19:192-203; Ambry internal data). This alteration (and a different nucleotide substitution resulting in the same amino acid change, c.2221G>A) has been detected in multiple individuals with hypertrophic cardiomyopathy (HCM), has segregated with disease in families, and has been reported to occur de novo in an affected case (Fananapazir L, Proc. Natl. Acad. Sci. U.S.A. 1993 May; 90(9):3993-7; Richard P et al. Circulation. 2003;107(17):2227-32; Van Driest SL et al. J Am Coll Cardiol. 2004;44(3):602-10; Song L et al. Clin Chim Acta. 2005;351(1-2):209-16; Kindel SJ et al. J Card Fail. 2012;18(5):396-403; Marsiglia JD et al. Am Heart J. 2013;166(4):775-82; Berge KE et al. Clin Genet 2014;86(4):355-60; Montag J et al. J. Muscle Res. Cell. Motil. 2017 Aug;38(3-4):291-302). This amino acid position is well conserved in available vertebrate species. In addition, this alteration is predicted to be deleterious by in silico analysis. This variant is considered to be rare based on population cohorts in the Genome Aggregation Database (gnomAD). Based on the supporting evidence, this alteration is interpreted as a disease-causing mutation.

Blueprint Genetics
Classification: Pathogenic for MYH7-related disorders. Last evaluated: 2024-04-05. Review status: criteria provided, single submitter. Criteria: ACMG Guidelines, 2015. Collection method: clinical testing. Allele origin: germline. Affected: yes. Observed: 3 variant alleles. Not counted in ClinVar's aggregate classification.